The following continues an entry in ClinVar:

NM_000059.4(BRCA2):c.4068G>A (p.Leu1356=)

Gene: BRCA2. ClinVar aggregate classification (germline): Benign. Benign (1).

Submissions 20 to 41 of 41:

PreventionGenetics, part of Exact Sciences
Classification: Benign. Last evaluated: 2016-11-30. Review status: criteria provided, single submitter. Criteria: ACMG Guidelines, 2015. Collection method: clinical testing. Allele origin: germline. Not counted in ClinVar's aggregate classification.

Institute for Biomarker Research, Medical Diagnostic Laboratories, L.L.C.
Classification: Likely benign for Hereditary breast ovarian cancer syndrome. Last evaluated: 2016-04-25. Review status: criteria provided, single submitter. Criteria: ACMG Guidelines, 2015. Collection method: clinical testing. Allele origin: germline. Not counted in ClinVar's aggregate classification.

Fulgent Genetics
Classification: Benign for Breast-ovarian cancer, familial, susceptibility to, 2. Last evaluated: 2016-02-25. Review status: criteria provided, single submitter. Criteria: ACMG Guidelines, 2015. Collection method: clinical testing. Allele origin: unknown. Not counted in ClinVar's aggregate classification.

Clinical Genetics DNA and cytogenetics Diagnostics Lab, Erasmus MC, Erasmus Medical Center
Classification: Likely benign for Breast-ovarian cancer, familial, susceptibility to, 2. Last evaluated: 2015-09-21. Review status: criteria provided, single submitter. Criteria: ACGS Guidelines, 2013. Collection method: clinical testing. Allele origin: germline. Affected: yes. Study: VKGL Data-share Consensus. Not counted in ClinVar's aggregate classification.

Color Diagnostics, LLC DBA Color Health
Classification: Benign for Hereditary cancer-predisposing syndrome. Last evaluated: 2015-04-15. Review status: criteria provided, single submitter. Criteria: ACMG Guidelines, 2015. Collection method: clinical testing. Allele origin: germline. Not counted in ClinVar's aggregate classification.

Molecular Genetics Laboratory, University of Michigan
Classification: Benign for Breast-ovarian cancer, familial, susceptibility to, 2. Last evaluated: 2014-11-03. Review status: criteria provided, single submitter. Criteria: ACMG Guidelines, 2015. Collection method: clinical testing. Allele origin: germline. Affected: yes. Not counted in ClinVar's aggregate classification.

Genome Diagnostics Laboratory, University Medical Center Utrecht
Classification: Likely benign for Breast-ovarian cancer, familial, susceptibility to, 2. Last evaluated: 2014-10-10. Review status: criteria provided, single submitter. Criteria: ACGS Guidelines, 2013. Collection method: clinical testing. Allele origin: germline. Affected: yes. Study: VKGL Data-share Consensus. Not counted in ClinVar's aggregate classification.

Eurofins Ntd Llc (ga)
Classification: Benign. Last evaluated: 2014-08-22. Review status: criteria provided, single submitter. Criteria: EGL Classification Definitions 2015. Collection method: clinical testing. Allele origin: germline. Observed: 3 variant alleles, 3 heterozygotes. Not counted in ClinVar's aggregate classification.

Ambry Genetics
Classification: Benign for Hereditary cancer-predisposing syndrome. Last evaluated: 2014-07-15. Review status: criteria provided, single submitter. Criteria: Ambry Variant Classification Scheme 2023. Collection method: clinical testing. Allele origin: germline. Not counted in ClinVar's aggregate classification.

Women's Health and Genetics/Laboratory Corporation of America, LabCorp
Classification: Benign for Hereditary breast ovarian cancer syndrome. Last evaluated: 2014-03-17. Review status: criteria provided, single submitter. Criteria: LabCorp Variant Classification Summary - May 2015. Collection method: clinical testing. Allele origin: germline. Not counted in ClinVar's aggregate classification.

BRCAlab, Lund University
Classification: Benign for Breast-ovarian cancer, familial, susceptibility to, 2. Last evaluated: 2020-03-02. Review status: no assertion criteria provided. Collection method: clinical testing. Allele origin: germline. Affected: yes. Not counted in ClinVar's aggregate classification.

True Health Diagnostics
Classification: Likely benign for Hereditary cancer-predisposing syndrome. Last evaluated: 2018-05-03. Review status: no assertion criteria provided. Collection method: clinical testing. Allele origin: germline. Not counted in ClinVar's aggregate classification.

Mayo Clinic Laboratories, Mayo Clinic
Classification: Benign. Last evaluated: 2017-08-22. Review status: no assertion criteria provided. Collection method: clinical testing. Allele origin: unknown. Not counted in ClinVar's aggregate classification.

Department of Medical Genetics, University Hospital of North Norway
Classification: Benign for Breast-ovarian cancer, familial, susceptibility to, 2. Last evaluated: 2016-05-01. Review status: no assertion criteria provided. Collection method: clinical testing. Allele origin: germline. Affected: yes. Observed: 2 variant alleles. Not counted in ClinVar's aggregate classification.

Counsyl
Classification: Likely benign for Breast-ovarian cancer, familial 2. Last evaluated: 2014-02-07. Review status: no assertion criteria provided. Collection method: literature only. Allele origin: unknown. Inheritance: Autosomal dominant inheritance. Not counted in ClinVar's aggregate classification.

Sharing Clinical Reports Project (SCRP)
Classification: Benign for Breast-ovarian cancer, familial 2. Last evaluated: 2011-03-14. Review status: no assertion criteria provided. Collection method: clinical testing. Allele origin: germline. Not counted in ClinVar's aggregate classification.

Breast Cancer Information Core (BIC) (BRCA2)
Classification: Uncertain significance for Breast-ovarian cancer, familial 2. Last evaluated: 2004-02-20. Review status: no assertion criteria provided. Collection method: clinical testing. Allele origin: germline. Affected: yes. Observed: 9 variant alleles. Not counted in ClinVar's aggregate classification.

Clinical Genetics Laboratory, Department of Pathology, Netherlands Cancer Institute
Classification: Benign. Review status: no assertion criteria provided. Collection method: clinical testing. Allele origin: germline. Affected: yes. Study: VKGL Data-share Consensus. Not counted in ClinVar's aggregate classification.

Department of Pathology and Laboratory Medicine, Sinai Health System
Classification: Benign for Malignant tumor of breast. Review status: no assertion criteria provided. Collection method: clinical testing. Allele origin: unknown. Affected: yes. Study: The Canadian Open Genetics Repository (COGR). Not counted in ClinVar's aggregate classification.
Comment: The p.Leu1356Leu variant has been reported in the literature in 29/16512 proband chromosomes and 0/80 control chromosomes. However, an insufficient number of controls were typed to establish the variants' allele frequency in the general population (Edwards 2003, Haffty 2006, Infante 2006, Stagel 2011, Van der Hout 2006, Yang 2009). This variant is not expected to have clinical significance because it does not alter an amino acid residue, is not located near a splice junction and is reported in dbSNP (ID#:rs28897724) with a global allele frequency of 0.001 (1000 genomes) increasing the likelihood this variant is benign. In addition, this variant is reported by Myriad Genetics as benign as of Oct 2008 (personal communication). In summary, this variant meets our laboratories' criteria for a benign variant.

Diagnostic Laboratory, Department of Genetics, University Medical Center Groningen
Classification: Likely benign for Breast-ovarian cancer, familial, susceptibility to, 2. Review status: no assertion criteria provided. Collection method: clinical testing. Allele origin: germline. Affected: yes. Study: VKGL Data-share Consensus. Not counted in ClinVar's aggregate classification.

Joint Genome Diagnostic Labs from Nijmegen and Maastricht, Radboudumc and MUMC+
Classification: Benign. Review status: no assertion criteria provided. Collection method: clinical testing. Allele origin: germline. Affected: yes. Study: VKGL Data-share Consensus. Not counted in ClinVar's aggregate classification.

Laboratory of Diagnostic Genome Analysis, Leiden University Medical Center (LUMC)
Classification: Likely benign. Review status: no assertion criteria provided. Collection method: clinical testing. Allele origin: germline. Affected: yes. Study: VKGL Data-share Consensus. Not counted in ClinVar's aggregate classification.

Literature cited by the submitters: DOI 10.3389/fgene.2022.834265 (cited by National Health Laboratory Service, Universitas Academic Hospital and University of the Free State); PubMed 36329109 (cited by Genetics Program, Instituto Nacional de Cancer); PubMed 21232165 (cited by 3 submitters); PubMed 22366370 (cited by Illumina Laboratory Services, Illumina); PubMed 12474142 (cited by Women's Health and Genetics/Laboratory Corporation of America, LabCorp and Counsyl); PubMed 22684231 (cited by Women's Health and Genetics/Laboratory Corporation of America, LabCorp); PubMed 15983021 (cited by Women's Health and Genetics/Laboratory Corporation of America, LabCorp and Counsyl); PubMed 19229607 (cited by Women's Health and Genetics/Laboratory Corporation of America, LabCorp and Counsyl); PubMed 27495310 (cited by Department of Medical Genetics, University Hospital of North Norway); PubMed 20104584 (cited by Counsyl).